The following is an entry in ClinVar:

ClinVar aggregate classification (germline): Uncertain significance (1 of 4 stars; one submission).

Conditions:
Hereditary cancer-predisposing syndrome. Also called: Neoplastic Syndromes, Hereditary; Tumor predisposition; Hereditary Cancer Syndrome; Hereditary neoplastic syndrome. Identifiers: Orphanet 140162, MedGen C0027672, MeSH D009386, MONDO:0015356.

Submission:

Ambry Genetics
Classification: Uncertain significance for Hereditary cancer-predisposing syndrome. Last evaluated: 2024-08-18. Review status: criteria provided, single submitter. Criteria: Ambry Variant Classification Scheme 2023. Collection method: clinical testing. Allele origin: germline.
Comment: The p.C914Y variant (also known as c.2741G>A), located in coding exon 15 of the APC gene, results from a G to A substitution at nucleotide position 2741. The cysteine at codon 914 is replaced by tyrosine, an amino acid with highly dissimilar properties. This amino acid position is conserved. In addition, in silico predictors for this gene do not accurately predict pathogenicity. Based on the available evidence, the clinical significance of this variant remains unclear.

NM_000038.6(APC):c.2741G>A (p.Cys914Tyr)

Gene: APC (APC regulator of Wnt signaling pathway; plus strand). Cytogenetic location: 5q22.2.
Variant type: single nucleotide variant.
Coding change: c.2741G>A on transcript NM_000038.6 (MANE Select); coding-DNA position 2741, G replaced by A.
Protein change: p.Cys914Tyr; replaces cysteine 914 with tyrosine.
Molecular consequence: missense variant. On other transcripts: non-coding transcript variant (2).
Genome position (GRCh38, 1-based): chr5:112,838,335, G>A. VCF-style: chr5-112838335-G-A. GRCh37 (hg19) VCF-style: chr5-112174032-G-A.
Other names: c.2741G>A, p.Cys914Tyr (NM_001127510.3, NM_001354895.2, NM_001407450.1); c.2687G>A, p.Cys896Tyr (NM_001127511.3); c.2795G>A, p.Cys932Tyr (NM_001354896.2, NM_001407447.1, NM_001407448.1 and 1 more transcripts); c.2771G>A, p.Cys924Tyr (NM_001354897.2); c.2666G>A, p.Cys889Tyr (NM_001354898.2); c.2657G>A, p.Cys886Tyr (NM_001354899.2); c.2618G>A, p.Cys873Tyr (NM_001354900.2); c.2564G>A, p.Cys855Tyr (NM_001354901.2, NM_001407453.1); and 11 more; short protein forms C530Y, C631Y, C932Y, C788Y, C823Y, C855Y, C889Y, C896Y.
Identifiers: ClinVar variation 3410407 (VCV003410407.1).
Genomic context (GRCh38, chr5:112,838,335, plus strand): 5'-TGTCAGCCATTCATACCTCTCAGGAAGACAGAAGTTCTGGGTCTACCACTGAATTACATT[G>A]TGTGACAGATGAGAGAAATGCACTTAGAAGAAGCTCTGCTGCCCATACACATTCAAACAC-3'
Protein context (NP_000029.2, residues 904-924): RSSGSTTELH[Cys914Tyr]VTDERNALRR